The following is an entry in ClinVar:

ClinVar aggregate classification (germline): Likely benign. Review status: criteria provided, multiple submitters, no conflicts (2 of 4 stars). 2 submissions from 2 submitters: Likely benign (2). Last evaluated 2025-06-06.

Conditions:
Tuberous sclerosis 2 (TSC2). Identifiers: Orphanet 805, MedGen C1860707, MONDO:0013199, OMIM 613254.

Submissions (2):

Myriad Genetics, Inc.
Classification: Likely benign for Tuberous sclerosis 2. Last evaluated: 2025-06-06. Review status: criteria provided, single submitter. Criteria: Myriad Autosomal Dominant, Autosomal Recessive and X-Linked Classification Criteria (2023). Collection method: clinical testing. Allele origin: unknown.
Comment: This variant is considered likely benign. This variant is intronic and is not expected to impact mRNA splicing.

Labcorp Genetics (formerly Invitae), Labcorp
Classification: Likely benign for Tuberous sclerosis 2. Last evaluated: 2025-02-25. Review status: criteria provided, single submitter. Criteria: Invitae Variant Classification Sherloc (09022015). Collection method: clinical testing. Allele origin: germline.

NM_000548.5(TSC2):c.5160+9G>T

Gene: TSC2 (TSC complex subunit 2; plus strand). Cytogenetic location: 16p13.3.
Variant type: single nucleotide variant.
Coding change: c.5160+9G>T on transcript NM_000548.5 (MANE Select); 9 bases into the intron after coding-DNA position 5160, G replaced by T.
Molecular consequence: intron variant.
Genome position (GRCh38, 1-based): chr16:2,088,148, G>T. VCF-style: chr16-2088148-G-T. GRCh37 (hg19) VCF-style: chr16-2138149-G-T.
Other names: c.5091+9G>T (NM_001114382.3); c.5031+9G>T (NM_021055.3, NM_001370405.1); c.4962+9G>T (NM_001363528.2); c.5028+9G>T (NM_001370404.1); c.4959+9G>T (NM_001077183.3); c.4851+9G>T (NM_001318827.2); c.4428+9G>T (NM_001318831.2); c.4815+9G>T (NM_001318829.2); and 1 more.
Identifiers: ClinVar variation 1150597 (VCV001150597.10), dbSNP rs1445593661, ClinGen allele CA620705118.